The following is an entry in ClinVar:

ClinVar aggregate classification (germline): Uncertain significance. Review status: criteria provided, multiple submitters, no conflicts (2 of 4 stars). 4 submissions from 4 submitters: Uncertain significance (4). Last evaluated 2025-03-19.

Conditions:
SLC12A1-related disorder. Also called: SLC12A1-related condition.
Bartter disease type 1. Also called: Bartter syndrome, type 1, antenatal; Bartter Syndrome type 1; HYPERPROSTAGLANDIN E SYNDROME 1; HYPOKALEMIC ALKALOSIS WITH HYPERCALCIURIA 1, ANTENATAL. Identifiers: Orphanet 112, Orphanet 620217, MedGen C1866495, MONDO:0100344, OMIM 601678, MONDO:0011127.

Allele frequency attached by ClinVar (database versions not stated): gnomAD 0.00001; gnomAD exomes 0.00001; TOPMed 0.00001.
gnomAD v4.1: 9 of 1,608,224 alleles (0.00056%); highest among the groups gnomAD compares: Admixed American, 0.01%; no homozygotes.

Submissions (4):

GeneDx
Classification: Uncertain significance. Last evaluated: 2025-03-19. Review status: criteria provided, single submitter. Criteria: GeneDx Variant Classification Process June 2021. Collection method: clinical testing. Allele origin: germline.
Comment: Not observed at significant frequency in large population cohorts (gnomAD); In silico analysis supports that this missense variant has a deleterious effect on protein structure/function; Has not been previously published as pathogenic or benign to our knowledge

PreventionGenetics, part of Exact Sciences
Classification: Uncertain significance for SLC12A1-related condition. Last evaluated: 2024-11-22. Review status: criteria provided, single submitter. Criteria: ACMG Guidelines, 2015. Collection method: clinical testing. Allele origin: germline.
Comment: The SLC12A1 c.2756A>G variant is predicted to result in the amino acid substitution p.Asp919Gly. To our knowledge, this variant has not been reported in the literature. An alternate missense variant at the same amino acid position has been reported in the homozygous state in a patient with Bartter syndrome (Braun et al. 2016. PubMed ID: 26787776). This variant is reported in 0.0030% of alleles in individuals of Latino descent in gnomAD. At this time, the clinical significance of this variant is uncertain due to the absence of conclusive functional and genetic evidence.

Labcorp Genetics (formerly Invitae), Labcorp
Classification: Uncertain significance. Last evaluated: 2024-09-06. Review status: criteria provided, single submitter. Criteria: Invitae Variant Classification Sherloc (09022015). Collection method: clinical testing. Allele origin: germline.
Comment: This sequence change replaces aspartic acid, which is acidic and polar, with glycine, which is neutral and non-polar, at codon 919 of the SLC12A1 protein (p.Asp919Gly). The frequency data for this variant in the population databases is considered unreliable, as metrics indicate poor data quality at this position in the gnomAD database. This variant has not been reported in the literature in individuals affected with SLC12A1-related conditions. Invitae Evidence Modeling of protein sequence and biophysical properties (such as structural, functional, and spatial information, amino acid conservation, physicochemical variation, residue mobility, and thermodynamic stability) indicates that this missense variant is expected to disrupt SLC12A1 protein function with a positive predictive value of 80%. In summary, the available evidence is currently insufficient to determine the role of this variant in disease. Therefore, it has been classified as a Variant of Uncertain Significance.

Fulgent Genetics
Classification: Uncertain significance for Bartter disease type 1. Last evaluated: 2024-05-14. Review status: criteria provided, single submitter. Criteria: ACMG Guidelines, 2015. Collection method: clinical testing. Allele origin: germline.

NM_000338.3(SLC12A1):c.2756A>G (p.Asp919Gly)

Gene: SLC12A1 (solute carrier family 12 member 1; plus strand). Cytogenetic location: 15q21.1.
Variant type: single nucleotide variant.
Coding change: c.2756A>G on transcript NM_000338.3 (MANE Select); coding-DNA position 2756, A replaced by G.
Protein change: p.Asp919Gly; replaces aspartic acid 919 with glycine.
Molecular consequence: missense variant.
Genome position (GRCh38, 1-based): chr15:48,288,169, A>G. VCF-style: chr15-48288169-A-G. GRCh37 (hg19) VCF-style: chr15-48580366-A-G.
Other names: c.2756A>G (NM_000338.2); c.2756A>G, p.Asp919Gly (NM_001184832.2, NM_001384136.1); short protein forms D919G.
Identifiers: ClinVar variation 2957849 (VCV002957849.6), dbSNP rs1346160152, ClinGen allele CA392318033.
Genomic context (GRCh38, chr15:48,288,169, plus strand): 5'-GCACTCAATTTAAAAAGAAACAAGAAAAAGGCACAATTGATGTTTGGTGGTTGTTTGATG[A>G]TGGAGGTAAAAACTTTCAGAAAATACACTAGGGACAAGAATTTCAATTTTGATAAACTTA-3'
Protein context (NP_000329.2, residues 909-929): GTIDVWWLFD[Asp919Gly]GGLTLLIPYI